The following is an entry in ClinVar:

ClinVar aggregate classification (germline): Uncertain significance (1 of 4 stars; one submission).

Conditions:
Cardiovascular phenotype. Identifiers: MedGen CN230736.

Submission:

Ambry Genetics
Classification: Uncertain significance for Cardiovascular phenotype. Last evaluated: 2016-09-23. Review status: criteria provided, single submitter. Criteria: Ambry Variant Classification Scheme 2023. Collection method: clinical testing. Allele origin: germline.
Comment: The p.W678L variant (also known as c.2033G>T), located in coding exon 10 of the PKP2 gene, results from a G to T substitution at nucleotide position 2033. The tryptophan at codon 678 is replaced by leucine, an amino acid with some similar properties. This amino acid position is highly conserved in available vertebrate species. In addition, this alteration is predicted to be deleterious by in silico analysis. Since supporting evidence is limited at this time, the clinical significance of this alteration remains unclear.

NM_001005242.3(PKP2):c.1901G>T (p.Trp634Leu)

Gene: PKP2 (plakophilin 2; minus strand). Cytogenetic location: 12p11.21.
Variant type: single nucleotide variant.
Coding change: c.1901G>T on transcript NM_001005242.3 (MANE Select); coding-DNA position 1901, G replaced by T.
Protein change: p.Trp634Leu; replaces tryptophan 634 with leucine.
Molecular consequence: missense variant.
Genome position (GRCh38, 1-based): chr12:32,821,468, C>A on the plus strand (G>T on the coding strand, the complement: PKP2 is on the minus strand). VCF-style: chr12-32821468-C-A. GRCh37 (hg19) VCF-style: chr12-32974402-C-A.
Other names: c.2033G>T, p.Trp678Leu (NM_004572.4); short protein forms W678L, W634L.
Identifiers: ClinVar variation 518474 (VCV000518474.5), dbSNP rs1555142907, ClinGen allele CA384361893.